The following is an entry in ClinVar:

ClinVar aggregate classification (germline): Uncertain significance (1 of 4 stars; one submission).

Conditions:
PURA-related severe neonatal hypotonia-seizures-encephalopathy syndrome (NEDRIHF). Also called: PURA-Related Neurodevelopmental Disorders; NEURODEVELOPMENTAL DISORDER WITH NEONATAL RESPIRATORY INSUFFICIENCY, HYPOTONIA, AND FEEDING DIFFICULTIES. Identifiers: Orphanet 438213, Orphanet 438216, MedGen C4015357, MONDO:1060108, OMIM 616158, MONDO:0018580.

Submission:

Labcorp Genetics (formerly Invitae), Labcorp
Classification: Uncertain significance for PURA-related severe neonatal hypotonia-seizures-encephalopathy syndrome. Last evaluated: 2024-08-28. Review status: criteria provided, single submitter. Criteria: Invitae Variant Classification Sherloc (09022015). Collection method: clinical testing. Allele origin: germline.
Comment: This variant, c.105_107dup, results in the insertion of 1 amino acid(s) of the PURA protein (p.Gly42dup), but otherwise preserves the integrity of the reading frame. The frequency data for this variant in the population databases is considered unreliable, as metrics indicate insufficient coverage at this position in the gnomAD database. This variant has not been reported in the literature in individuals affected with PURA-related conditions. Experimental studies and prediction algorithms are not available or were not evaluated, and the functional significance of this variant is currently unknown. In summary, the available evidence is currently insufficient to determine the role of this variant in disease. Therefore, it has been classified as a Variant of Uncertain Significance.

NM_005859.5(PURA):c.102TGG[3] (p.Gly42_Ser43insGly)

Gene: PURA (purine rich element binding protein A; plus strand). Cytogenetic location: 5q31.3.
Variant type: Microsatellite.
Coding change: c.102TGG[3] on transcript NM_005859.5 (MANE Select); three copies in a row of the 3-base unit TGG starting at c.102; the reference has two copies in a row; one copy, 3 bases duplicated.
Protein change: p.Gly42_Ser43insGly.
Molecular consequence: inframe insertion.
Genome position (GRCh38, 1-based): chr5:140,114,286-140,114,288, TGG duplicated; duplicating any 3 consecutive bases within chr5:140,114,281-140,114,288 gives the same sequence; the position shown is the placement nearest the transcript's 3' end. VCF-style (leftmost placement, unchanged base first): chr5-140114280-C-CGGT. GRCh37 (hg19) VCF-style: chr5-139493865-C-CGGT.
Identifiers: ClinVar variation 1958195 (VCV001958195.5), dbSNP rs2479504059, ClinGen allele CA2580613679.